The following is an entry in ClinVar:

ClinVar aggregate classification (germline): Benign (1 of 4 stars; one submission).

Conditions:
Hepatoencephalopathy due to combined oxidative phosphorylation defect type 1. Also called: HEPATOENCEPHALOPATHY, EARLY FATAL PROGRESSIVE. Identifiers: Orphanet 137681, MedGen C1836797, MONDO:0012191, OMIM 609060.

Allele frequency attached by ClinVar (database versions not stated): gnomAD 0.02430 and 0.02621; 1000 Genomes Project 0.02516; 1000 Genomes Project 30x 0.02686; TOPMed 0.02694.

Submission:

Illumina Laboratory Services, Illumina
Classification: Benign for Hepatoencephalopathy due to combined oxidative phosphorylation defect type 1. Last evaluated: 2018-01-13. Review status: criteria provided, single submitter. Criteria: ICSL Variant Classification Criteria 13 December 2019. Collection method: clinical testing. Allele origin: germline.
Comment: This variant was observed in the ICSL laboratory as part of a predisposition screen in an ostensibly healthy population. It had not been previously curated by ICSL or reported in the Human Gene Mutation Database (HGMD: prior to June 1st, 2018), and was therefore a candidate for classification through an automated scoring system. Utilizing variant allele frequency, disease prevalence and penetrance estimates, and inheritance mode, an automated score was calculated to assess if this variant is too frequent to cause the disease. Based on the score and internal cut-off values, a variant classified as benign is not then subjected to further curation. The score for this variant resulted in a classification of benign for this disease.

NM_024996.7(GFM1):c.*713C>T

Gene: GFM1 (G elongation factor mitochondrial 1; plus strand). Cytogenetic location: 3q25.32.
Variant type: single nucleotide variant.
Coding change: c.*713C>T on transcript NM_024996.7 (MANE Select); 713 bases downstream of the stop codon, C replaced by T.
Molecular consequence: 3 prime UTR variant. On other transcripts: non-coding transcript variant (4).
Genome position (GRCh38, 1-based): chr3:158,692,180, C>T. VCF-style: chr3-158692180-C-T. GRCh37 (hg19) VCF-style: chr3-158409969-C-T.
Other names: c.*713C>T (NM_001308164.2, NM_001374355.1, NM_001374356.1 and 5 more transcripts).
Identifiers: ClinVar variation 343947 (VCV000343947.5), dbSNP rs16829307, ClinGen allele CA10615648.
Genomic context (GRCh38, chr3:158,692,180, plus strand): 5'-AAAATATTAGCCAAATTTCTCTCTGTTTTATATATGTCTGTTTATTTCAGTTTGTGGTTT[C>T]TGCAAATTTGTAACTGCCTCTGTTTTAGGAGTATAAGTATTACTTCCTTGTGGTCTATTG-3'